The following is an entry in ClinVar:

ClinVar aggregate classification (germline): Uncertain significance (1 of 4 stars; one submission).

Conditions:
Primary dilated cardiomyopathy (DCM). Also called: Dilated Cardiomyopathy. Identifiers: Orphanet 217604, MedGen C0007193, MeSH D002311, MONDO:0005021, HP:0001644. Inheritance: Various modes of inheritance.

Allele frequency attached by ClinVar (database versions not stated): gnomAD 0.00001; ExAC 0.00002; TOPMed 0.00003; gnomAD exomes 0.00004.
gnomAD v4.1: 14 of 1,614,092 alleles (0.00087%); highest among the groups gnomAD compares: Admixed American, 0.022%; no homozygotes.

Submission:

Labcorp Genetics (formerly Invitae), Labcorp
Classification: Uncertain significance for Primary dilated cardiomyopathy. Last evaluated: 2025-03-25. Review status: criteria provided, single submitter. Criteria: Invitae Variant Classification Sherloc (09022015). Collection method: clinical testing. Allele origin: germline.
Comment: This sequence change replaces cysteine, which is neutral and slightly polar, with arginine, which is basic and polar, at codon 65 of the FHL2 protein (p.Cys65Arg). This variant is present in population databases (rs768709080, gnomAD 0.03%). This variant has not been reported in the literature in individuals affected with FHL2-related conditions. ClinVar contains an entry for this variant (Variation ID: 1388844). An algorithm developed to predict the effect of missense changes on protein structure and function (PolyPhen-2) suggests that this variant is likely to be disruptive. In summary, the available evidence is currently insufficient to determine the role of this variant in disease. Therefore, it has been classified as a Variant of Uncertain Significance.

NM_001318895.3(FHL2):c.193T>C (p.Cys65Arg)

Genes: C2orf49 (chromosome 2 open reading frame 49; plus strand), FHL2 (four and a half LIM domains 2; minus strand). Cytogenetic location: 2q12.2.
Variant type: single nucleotide variant.
Coding change: c.193T>C on transcript NM_001318895.3 (MANE Select); coding-DNA position 193, T replaced by C.
Protein change: p.Cys65Arg; replaces cysteine 65 with arginine.
Molecular consequence: missense variant. On other transcripts: 5 prime UTR variant (1), intron variant (2).
Genome position (GRCh38, 1-based): chr2:105,373,697, A>G on the plus strand (T>C on the coding strand, the complement: FHL2 is on the minus strand). VCF-style: chr2-105373697-A-G. GRCh37 (hg19) VCF-style: chr2-105990154-A-G.
Other names: c.193T>C, p.Cys65Arg (NM_001039492.3, NM_001318894.1, NM_001318896.2 and 4 more transcripts); c.-132T>C (NM_001318899.2); c.-11-5958T>C (NM_001318897.2, NM_001318898.2); short protein forms C65R.
Identifiers: ClinVar variation 1388844 (VCV001388844.6), dbSNP rs768709080, ClinGen allele CA1814800.